The following is an entry in ClinVar:

ClinVar aggregate classification (germline): Uncertain significance (1 of 4 stars; one submission).

Allele frequency attached by ClinVar (database versions not stated): gnomAD 0.00001; gnomAD exomes 0.00001; TOPMed 0.00002.
gnomAD v4.1: 17 of 1,613,652 alleles (0.0011%); highest among the groups gnomAD compares: African/African-American, 0.0027%; no homozygotes.

Submission:

Ambry Genetics
Classification: Uncertain significance. Last evaluated: 2024-06-24. Review status: criteria provided, single submitter. Criteria: Ambry Variant Classification Scheme 2023. Collection method: clinical testing. Allele origin: germline.
Comment: The p.C292Y variant (also known as c.875G>A), located in coding exon 1 of the PALLD gene, results from a G to A substitution at nucleotide position 875. The cysteine at codon 292 is replaced by tyrosine, an amino acid with highly dissimilar properties. This amino acid position is conserved. In addition, this alteration is predicted to be deleterious by in silico analysis. Since supporting evidence is limited at this time, the clinical significance of this alteration remains unclear.

NM_001166108.2(PALLD):c.875G>A (p.Cys292Tyr)

Gene: PALLD (palladin, cytoskeletal associated protein; plus strand). Cytogenetic location: 4q32.3.
Variant type: single nucleotide variant.
Coding change: c.875G>A on transcript NM_001166108.2 (MANE Select); coding-DNA position 875, G replaced by A.
Protein change: p.Cys292Tyr; replaces cysteine 292 with tyrosine.
Molecular consequence: missense variant.
Genome position (GRCh38, 1-based): chr4:168,512,379, G>A. VCF-style: chr4-168512379-G-A. GRCh37 (hg19) VCF-style: chr4-169433530-G-A.
Other names: c.875G>A, p.Cys292Tyr (NM_016081.4); short protein forms C292Y.
Identifiers: ClinVar variation 1764571 (VCV001764571.3), dbSNP rs965456977, ClinGen allele CA109883963.
Genomic context (GRCh38, chr4:168,512,379, plus strand): 5'-GATTCATCCAAAAGCTGAGGAGCCAAGAAGTAGCAGAAGGGAGCCGAGTTTATCTGGAGT[G>A]TAGAGTCACTGGAAACCCCACTCCTCGAGTCAGGTATGAATTTTTGTATTATGCATAGCA-3'
Protein context (NP_001159580.1, residues 282-302): VAEGSRVYLE[Cys292Tyr]RVTGNPTPRV